The following is an entry in ClinVar:

ClinVar aggregate classification (germline): Likely benign (1 of 4 stars; one submission).

Conditions:
MITF-related disorder. Also called: MITF-related condition.

Submission:

PreventionGenetics, part of Exact Sciences
Classification: Likely benign for MITF-related condition. Last evaluated: 2026-01-09. Review status: criteria provided, single submitter. Criteria: ACMG Guidelines, 2015. Collection method: clinical testing. Allele origin: germline.
Comment: This variant is classified as likely benign based on ACMG/AMP sequence variant interpretation guidelines (Richards et al. 2015 PMID: 25741868, with internal and published modifications).

NM_001354604.2(MITF):c.105-12811A>T

Gene: MITF (melanocyte inducing transcription factor; plus strand). Cytogenetic location: 3p13.
Variant type: single nucleotide variant.
Coding change: c.105-12811A>T on transcript NM_001354604.2 (MANE Select); 12811 bases into the intron before coding-DNA position 105, A replaced by T.
Molecular consequence: intron variant. On other transcripts: synonymous variant (1).
Genome position (GRCh38, 1-based): chr3:69,866,323, A>T. VCF-style: chr3-69866323-A-T. GRCh37 (hg19) VCF-style: chr3-69915474-A-T.
Other names: c.33A>T, p.Pro11= (NM_198177.3); c.54-12811A>T (NM_001354607.2); c.-52-12811A>T (NM_001354608.2, NM_001184967.2); c.105-12811A>T (NM_198159.3); c.105-12814A>T (NM_001354605.2, NM_001354606.2); c.102-12811A>T (NM_006722.3).
Identifiers: ClinVar variation 4985710 (VCV004985710.1).